The following is an entry in ClinVar:

ClinVar aggregate classification (germline): Uncertain significance (1 of 4 stars; one submission).

Conditions:
Inborn genetic diseases. Identifiers: MedGen C0950123, MeSH D030342.

gnomAD v4.1: 2 of 1,613,764 alleles (0.00012%); highest among the groups gnomAD compares: Middle Eastern, 0.017%; no homozygotes.

Submission:

Ambry Genetics
Classification: Uncertain significance for Inborn genetic diseases. Last evaluated: 2025-04-24. Review status: criteria provided, single submitter. Criteria: Ambry Variant Classification Scheme 2023. Collection method: clinical testing. Allele origin: germline.
Comment: The p.W333R variant (also known as c.997T>C), located in coding exon 1 of the SAMD9 gene, results from a T to C substitution at nucleotide position 997. The tryptophan at codon 333 is replaced by arginine, an amino acid with dissimilar properties. This amino acid position is conserved. In addition, this alteration is predicted to be tolerated by in silico analysis. Based on the available evidence, the clinical significance of this variant remains unclear.

NM_017654.4(SAMD9):c.997T>C (p.Trp333Arg)

Gene: SAMD9 (sterile alpha motif domain containing 9; minus strand). Cytogenetic location: 7q21.2.
Variant type: single nucleotide variant.
Coding change: c.997T>C on transcript NM_017654.4 (MANE Select); coding-DNA position 997, T replaced by C.
Protein change: p.Trp333Arg; replaces tryptophan 333 with arginine.
Molecular consequence: missense variant.
Genome position (GRCh38, 1-based): chr7:93,105,101, A>G on the plus strand (T>C on the coding strand, the complement: SAMD9 is on the minus strand). VCF-style: chr7-93105101-A-G. GRCh37 (hg19) VCF-style: chr7-92734414-A-G.
Other names: c.997T>C, p.Trp333Arg (NM_001193307.2); short protein forms W333R.
Identifiers: ClinVar variation 3949583 (VCV003949583.1).